The following is an entry in ClinVar:

NM_006785.4(MALT1):c.853C>G (p.Gln285Glu)

Gene: MALT1 (MALT1 paracaspase; plus strand). Cytogenetic location: 18q21.32.
Variant type: single nucleotide variant.
Coding change: c.853C>G on transcript NM_006785.4 (MANE Select); coding-DNA position 853, C replaced by G.
Protein change: p.Gln285Glu; replaces glutamine 285 with glutamic acid.
Molecular consequence: missense variant.
Genome position (GRCh38, 1-based): chr18:58,710,000, C>G. VCF-style: chr18-58710000-C-G. GRCh37 (hg19) VCF-style: chr18-56377232-C-G.
Other names: c.853C>G, p.Gln285Glu (NM_173844.3); short protein forms Q285E.
Identifiers: ClinVar variation 862645 (VCV000862645.9), dbSNP rs2054809764, ClinGen allele CA402573535.

ClinVar aggregate classification (germline): Uncertain significance (1 of 4 stars; one submission).

Conditions:
Combined immunodeficiency due to MALT1 deficiency. Also called: Immunodeficiency 12. Identifiers: Orphanet 397964, MedGen C3809583, MONDO:0014197, OMIM 615468.

Allele frequency attached by ClinVar (database versions not stated): gnomAD exomes below 0.00001.
gnomAD v4.1: 1 of 1,610,670 alleles (0.000062%); highest among the groups gnomAD compares: Non-Finnish European, 0.000085%; no homozygotes.

Submission:

Labcorp Genetics (formerly Invitae), Labcorp
Classification: Uncertain significance for Combined immunodeficiency due to MALT1 deficiency. Last evaluated: 2019-02-17. Review status: criteria provided, single submitter. Criteria: Invitae Variant Classification Sherloc (09022015). Collection method: clinical testing. Allele origin: germline.
Comment: In summary, the available evidence is currently insufficient to determine the role of this variant in disease. Therefore, it has been classified as a Variant of Uncertain Significance. Algorithms developed to predict the effect of missense changes on protein structure and function output the following: SIFT: "Tolerated"; PolyPhen-2: "Benign"; Align-GVGD: "Class C0". The glutamic acid amino acid residue is found in multiple mammalian species, suggesting that this missense change does not adversely affect protein function. These predictions have not been confirmed by published functional studies and their clinical significance is uncertain. This variant has not been reported in the literature in individuals with MALT1-related conditions. This variant is not present in population databases (ExAC no frequency). This sequence change replaces glutamine with glutamic acid at codon 285 of the MALT1 protein (p.Gln285Glu). The glutamine residue is moderately conserved and there is a small physicochemical difference between glutamine and glutamic acid.